The following is an entry in ClinVar:

NM_000512.5(GALNS):c.1242+1G>C

Gene: GALNS (galactosamine (N-acetyl)-6-sulfatase; minus strand). Cytogenetic location: 16q24.3.
Variant type: single nucleotide variant.
Coding change: c.1242+1G>C on transcript NM_000512.5 (MANE Select); the canonical splice donor site of the intron after coding-DNA position 1242, G replaced by C.
Molecular consequence: splice donor variant.
Genome position (GRCh38, 1-based): chr16:88,824,766, C>G on the plus strand (G>C on the coding strand, the complement: GALNS is on the minus strand). VCF-style: chr16-88824766-C-G. GRCh37 (hg19) VCF-style: chr16-88891174-C-G.
Other names: c.687+1G>C (NM_001323543.2); c.1260+1G>C (NM_001323544.2).
Identifiers: ClinVar variation 2122348 (VCV002122348.7), dbSNP rs2142993764, ClinGen allele CA397097355.
Genomic context (GRCh38, chr16:88,824,766, plus strand): 5'-GGGCCACGTCTGGATAGAGATGGGGGCAGCTCCGCCTGCGCCCACGTCCCGAGCCCTGTA[C>G]CTGTCTGAAGTTCTCCCAGGAGTTGGTCCAGGTCCAGAAGTGAGCCTTGTGCTGCCCGAG-3'

ClinVar aggregate classification (germline): Pathogenic/Likely pathogenic. Review status: criteria provided, multiple submitters, no conflicts (2 of 4 stars). 2 submissions from 2 submitters: Pathogenic (1); Likely pathogenic (1). Last evaluated 2025-10-01.

Conditions:
Mucopolysaccharidosis, MPS-IV-A (MPS4A). Also called: Morquio syndrome A, mild; MORQUIO SYNDROME A; GALACTOSAMINE-6-SULFATASE DEFICIENCY; GALNS DEFICIENCY; MORQUIO A DISEASE; Mucopolysaccharidosis type IV A. Identifiers: Orphanet 309297, Orphanet 582, MedGen C0086651, MONDO:0009659, OMIM 253000.

Submissions (2):

Labcorp Genetics (formerly Invitae), Labcorp
Classification: Pathogenic for Mucopolysaccharidosis, MPS-IV-A. Last evaluated: 2025-10-01. Review status: criteria provided, single submitter. Criteria: Invitae Variant Classification Sherloc (09022015). Collection method: clinical testing. Allele origin: germline.
Comment: This sequence change affects a donor splice site in intron 11 of the GALNS gene. It is expected to disrupt RNA splicing. Variants that disrupt the donor or acceptor splice site typically lead to a loss of protein function (PMID: 16199547), and loss-of-function variants in GALNS are known to be pathogenic (PMID: 12442278). This variant is not present in population databases (gnomAD no frequency). Disruption of this splice site has been observed in individual(s) with Morquio syndrome (internal data). In at least one individual the data is consistent with being in trans (on the opposite chromosome) from a pathogenic variant. ClinVar contains an entry for this variant (Variation ID: 2122348). Algorithms developed to predict the effect of sequence changes on RNA splicing suggest that this variant may disrupt the consensus splice site. For these reasons, this variant has been classified as Pathogenic.

Revvity Omics, Revvity
Classification: Likely pathogenic for Mucopolysaccharidosis, MPS-IV-A. Last evaluated: 2022-07-11. Review status: criteria provided, single submitter. Criteria: ACMG Guidelines, 2015. Collection method: clinical testing. Allele origin: germline.

Literature cited by the submitters: PubMed 16199547 (cited by Labcorp Genetics (formerly Invitae), Labcorp); PubMed 12442278 (cited by Labcorp Genetics (formerly Invitae), Labcorp).